The following is an entry in ClinVar:

ClinVar aggregate classification (germline): Uncertain significance (1 of 4 stars; one submission).

Conditions:
Inborn genetic diseases. Identifiers: MedGen C0950123, MeSH D030342.

Submission:

Ambry Genetics
Classification: Uncertain significance for Inborn genetic diseases. Last evaluated: 2025-06-18. Review status: criteria provided, single submitter. Criteria: Ambry Variant Classification Scheme 2023. Collection method: clinical testing. Allele origin: germline.
Comment: The p.M506I variant (also known as c.1518G>A), located in coding exon 11 of the BMPR2 gene, results from a G to A substitution at nucleotide position 1518. The methionine at codon 506 is replaced by isoleucine, an amino acid with highly similar properties. This amino acid position is conserved. In addition, the in silico prediction for this alteration is inconclusive. Based on the available evidence, the clinical significance of this variant remains unclear.

NM_001204.7(BMPR2):c.1518G>A (p.Met506Ile)

Gene: BMPR2 (bone morphogenetic protein receptor type 2; plus strand). Cytogenetic location: 2q33.2.
Variant type: single nucleotide variant.
Coding change: c.1518G>A on transcript NM_001204.7 (MANE Select); coding-DNA position 1518, G replaced by A.
Protein change: p.Met506Ile; replaces methionine 506 with isoleucine.
Molecular consequence: missense variant.
Genome position (GRCh38, 1-based): chr2:202,552,820, G>A. VCF-style: chr2-202552820-G-A. GRCh37 (hg19) VCF-style: chr2-203417543-G-A.
Other names: short protein forms M506I.
Identifiers: ClinVar variation 4214398 (VCV004214398.1).